The following is an entry in ClinVar:

ClinVar aggregate classification (germline): Pathogenic (1 of 4 stars; one submission).

Submission:

Labcorp Genetics (formerly Invitae), Labcorp
Classification: Pathogenic. Last evaluated: 2022-07-15. Review status: criteria provided, single submitter. Criteria: Invitae Variant Classification Sherloc (09022015). Collection method: clinical testing. Allele origin: germline.
Comment: A copy number gain of the genomic region encompassing the full coding sequence of the GPR101 gene has been identified. The boundaries of this event are unknown as they extend beyond the assayed region for this gene and therefore may encompass additional genes. As the precise location of this event is unknown, it may be in tandem or it may be located elsewhere in the genome. A similar copy number variant has been observed in individual(s) with pituitary gigantism (PMID: 27245663). In at least one individual the variant was observed to be de novo. For these reasons, this variant has been classified as Pathogenic.

Literature cited by the submitters: PubMed 27245663.

NC_000023.10:g.(?_135730408)_(136113833_?)dup

Genes: ARHGEF6 (Rac/Cdc42 guanine nucleotide exchange factor 6; minus strand), CD40LG (CD40 ligand; plus strand), GPR101 (G protein-coupled receptor 101; minus strand), RBMX (RNA binding motif protein X-linked; minus strand). Cytogenetic location: Xq26.3.
Variant type: Duplication.
Identifiers: ClinVar variation 2427163 (VCV002427163.3).